The following is an entry in ClinVar:

ClinVar aggregate classification (germline): Uncertain significance (1 of 4 stars; one submission).

Conditions:
Methylmalonic aciduria and homocystinuria type cblF. Also called: COBALAMIN F DISEASE; COBALAMIN, DEFECT IN LYSOSOMAL RELEASE OF; METHYLMALONIC ACIDEMIA AND HOMOCYSTINURIA, cblF TYPE; METHYLMALONIC ACIDURIA DUE TO VITAMIN B12-RELEASE DEFECT; VITAMIN B12 LYSOSOMAL RELEASE DEFECT; VITAMIN B12 STORAGE DISEASE. Identifiers: Orphanet 79284, MedGen C1848578, MONDO:0010183, OMIM 277380.

Allele frequency attached by ClinVar (database versions not stated): gnomAD 0.00001 and 0.00002; gnomAD exomes 0.00001; ExAC 0.00002.
gnomAD v4.1: 22 of 1,512,558 alleles (0.0015%); highest among the groups gnomAD compares: Non-Finnish European, 0.0018%; no homozygotes.

Submission:

Labcorp Genetics (formerly Invitae), Labcorp
Classification: Uncertain significance for Methylmalonic aciduria and homocystinuria type cblF. Last evaluated: 2021-11-19. Review status: criteria provided, single submitter. Criteria: Invitae Variant Classification Sherloc (09022015). Collection method: clinical testing. Allele origin: germline.
Comment: This sequence change replaces arginine, which is basic and polar, with glutamine, which is neutral and polar, at codon 386 of the LMBRD1 protein (p.Arg386Gln). The frequency data for this variant in the population databases is considered unreliable, as metrics indicate poor data quality at this position in the gnomAD database. This variant has not been reported in the literature in individuals affected with LMBRD1-related conditions. Algorithms developed to predict the effect of missense changes on protein structure and function are either unavailable or do not agree on the potential impact of this missense change (SIFT: "Deleterious"; PolyPhen-2: "Benign"; Align-GVGD: "Class C0"). In summary, the available evidence is currently insufficient to determine the role of this variant in disease. Therefore, it has been classified as a Variant of Uncertain Significance.

NM_018368.4(LMBRD1):c.1157G>A (p.Arg386Gln)

Gene: LMBRD1 (LMBR1 domain containing 1; minus strand). Cytogenetic location: 6q13.
Variant type: single nucleotide variant.
Coding change: c.1157G>A on transcript NM_018368.4 (MANE Select); coding-DNA position 1157, G replaced by A.
Protein change: p.Arg386Gln; replaces arginine 386 with glutamine.
Molecular consequence: missense variant.
Genome position (GRCh38, 1-based): chr6:69,700,796, C>T on the plus strand (G>A on the coding strand, the complement: LMBRD1 is on the minus strand). VCF-style: chr6-69700796-C-T. GRCh37 (hg19) VCF-style: chr6-70410688-C-T.
Other names: c.938G>A, p.Arg313Gln (NM_001363722.2, NM_001367271.1, NM_001367272.1); short protein forms R313Q, R386Q.
Identifiers: ClinVar variation 1450058 (VCV001450058.3), dbSNP rs772350306, ClinGen allele CA3879672.